The following is an entry in ClinVar:

ClinVar aggregate classification (germline): Pathogenic (1 of 4 stars; one submission).

Submission:

Labcorp Genetics (formerly Invitae), Labcorp
Classification: Pathogenic. Last evaluated: 2022-08-19. Review status: criteria provided, single submitter. Criteria: Invitae Variant Classification Sherloc (09022015). Collection method: clinical testing. Allele origin: germline.
Comment: This sequence change affects the initiator methionine of the ADNP mRNA. The next in-frame methionine is located at codon 229. This variant is not present in population databases (gnomAD no frequency). Disruption of the initiator codon has been observed in individual(s) with clinical features of ADNP-related conditions (PMID: 28221363, 29724491, 30555518). In at least one individual the variant was observed to be de novo. For these reasons, this variant has been classified as Pathogenic.

Literature cited by the submitters: PubMed 28221363; PubMed 29724491; PubMed 30555518.

NM_001282531.3(ADNP):c.1A>G (p.Met1Val)

Gene: ADNP (activity dependent neuroprotector homeobox; minus strand). Cytogenetic location: 20q13.13.
Variant type: single nucleotide variant.
Coding change: c.1A>G on transcript NM_001282531.3 (MANE Select); coding-DNA position 1, A replaced by G.
Protein change: p.Met1Val; changes the start codon (methionine 1).
Molecular consequence: missense variant, initiator codon variant.
Genome position (GRCh38, 1-based): chr20:50,903,996, T>C on the plus strand (A>G on the coding strand, the complement: ADNP is on the minus strand). VCF-style: chr20-50903996-T-C. GRCh37 (hg19) VCF-style: chr20-49520533-T-C.
Other names: c.1A>G, p.Met1Val (NM_001282532.2, NM_001347511.2, NM_015339.5 and 1 more transcripts); short protein forms M1V.
Identifiers: ClinVar variation 2138355 (VCV002138355.5), dbSNP rs2515621772, ClinGen allele CA408982673.